The following is an entry in ClinVar:

NM_001363711.2(DUOX2):c.160+5G>A

Gene: DUOX2 (dual oxidase 2; minus strand). Cytogenetic location: 15q21.1.
Variant type: single nucleotide variant.
Coding change: c.160+5G>A on transcript NM_001363711.2 (MANE Select); 5 bases into the intron after coding-DNA position 160, G replaced by A.
Molecular consequence: intron variant.
Genome position (GRCh38, 1-based): chr15:45,112,982, C>T on the plus strand (G>A on the coding strand, the complement: DUOX2 is on the minus strand). VCF-style: chr15-45112982-C-T. GRCh37 (hg19) VCF-style: chr15-45405180-C-T.
Other names: c.160+5G>A (NM_014080.5).
Identifiers: ClinVar variation 1040805 (VCV001040805.7), dbSNP rs372199473, ClinGen allele CA7539118.

ClinVar aggregate classification (germline): Uncertain significance. Review status: criteria provided, multiple submitters, no conflicts (2 of 4 stars). 2 submissions from 2 submitters: Uncertain significance (2). Last evaluated 2025-03-26.

Conditions:
Thyroid dyshormonogenesis 6 (TDH6). Also called: THYROID HORMONOGENESIS, GENETIC DEFECT IN, 6; Genetic transient congenital hypothyroidism; HYPOTHYROIDISM, CONGENITAL, DUE TO DYSHORMONOGENESIS, 6. Identifiers: Orphanet 226316, Orphanet 95716, MedGen C1846632, MONDO:0011792, OMIM 607200.

Allele frequency attached by ClinVar (database versions not stated): gnomAD 0.00003 and 0.00004; TOPMed 0.00005; ESP Exome Variant Server 0.00015.
gnomAD v4.1: 13 of 1,613,204 alleles (0.00081%); highest among the groups gnomAD compares: Middle Eastern, 0.017%; no homozygotes.

Submissions (2):

Labcorp Genetics (formerly Invitae), Labcorp
Classification: Uncertain significance. Last evaluated: 2025-03-26. Review status: criteria provided, single submitter. Criteria: Invitae Variant Classification Sherloc (09022015). Collection method: clinical testing. Allele origin: germline.
Comment: This sequence change falls in intron 3 of the DUOX2 gene. It does not directly change the encoded amino acid sequence of the DUOX2 protein. It affects a nucleotide within the consensus splice site. This variant is present in population databases (rs372199473, gnomAD 0.02%). This variant has not been reported in the literature in individuals affected with DUOX2-related conditions. ClinVar contains an entry for this variant (Variation ID: 1040805). Variants that disrupt the consensus splice site are a relatively common cause of aberrant splicing (PMID: 17576681, 9536098). Algorithms developed to predict the effect of sequence changes on RNA splicing suggest that this variant may disrupt the consensus splice site. In summary, the available evidence is currently insufficient to determine the role of this variant in disease. Therefore, it has been classified as a Variant of Uncertain Significance.

Juno Genomics, Hangzhou Juno Genomics, Inc
Classification: Uncertain significance for Thyroid dyshormonogenesis 6. Review status: criteria provided, single submitter. Criteria: ACMG Guidelines, 2015. Collection method: clinical testing. Allele origin: germline.
Comment: Absent from controls (or at extremely low frequency if recessive) in Genome Aggregation Database.;Multiple lines of computational evidence support a deleterious effect on the gene or gene product.

Literature cited by the submitters: PubMed 17576681 (cited by Labcorp Genetics (formerly Invitae), Labcorp); PubMed 9536098 (cited by Labcorp Genetics (formerly Invitae), Labcorp).